The following is an entry in ClinVar:

NM_003285.3(TNR):c.2318G>T (p.Gly773Val)

Gene: TNR (tenascin R; minus strand). Cytogenetic location: 1q25.1.
Variant type: single nucleotide variant.
Coding change: c.2318G>T on transcript NM_003285.3 (MANE Select); coding-DNA position 2318, G replaced by T.
Protein change: p.Gly773Val; replaces glycine 773 with valine.
Molecular consequence: missense variant.
Genome position (GRCh38, 1-based): chr1:175,365,279, C>A on the plus strand (G>T on the coding strand, the complement: TNR is on the minus strand). VCF-style: chr1-175365279-C-A. GRCh37 (hg19) VCF-style: chr1-175334415-C-A.
Other names: c.1319G>T, p.Gly440Val (NM_001328635.2); short protein forms G440V, G773V.
Identifiers: ClinVar variation 5009635 (VCV005009635.1).

ClinVar aggregate classification (germline): Uncertain significance (1 of 4 stars; one submission).

gnomAD v4.1: 26 of 1,598,066 alleles (0.0016%); highest among the groups gnomAD compares: Admixed American, 0.035%; no homozygotes.

Submission:

GeneDx
Classification: Uncertain significance. Last evaluated: 2026-02-17. Review status: criteria provided, single submitter. Criteria: GeneDx Variant Classification Process June 2021. Collection method: clinical testing. Allele origin: germline.
Comment: In silico analysis supports that this missense variant has a deleterious effect on protein structure/function; In silico analysis supports a deleterious effect on splicing; Has not been previously published as pathogenic or benign to our knowledge